The following is an entry in ClinVar:

NM_021629.4(GNB4):c.630A>T (p.Leu210Phe)

Gene: GNB4 (G protein subunit beta 4; minus strand). Cytogenetic location: 3q26.33.
Variant type: single nucleotide variant.
Coding change: c.630A>T on transcript NM_021629.4 (MANE Select); coding-DNA position 630, A replaced by T.
Protein change: p.Leu210Phe; replaces leucine 210 with phenylalanine.
Molecular consequence: missense variant.
Genome position (GRCh38, 1-based): chr3:179,413,481, T>A on the plus strand (A>T on the coding strand, the complement: GNB4 is on the minus strand). VCF-style: chr3-179413481-T-A. GRCh37 (hg19) VCF-style: chr3-179131269-T-A.
Other names: short protein forms L210F.
Identifiers: ClinVar variation 849080 (VCV000849080.10), dbSNP rs779372670, ClinGen allele CA2712455.

ClinVar aggregate classification (germline): Uncertain significance. Review status: criteria provided, multiple submitters, no conflicts (2 of 4 stars). 2 submissions from 2 submitters: Uncertain significance (2). Last evaluated 2026-01-26.

Conditions:
Charcot-Marie-Tooth disease dominant intermediate F. Identifiers: Orphanet 352670, MedGen C4749463, MONDO:0014074, OMIM 615185.

Allele frequency attached by ClinVar (database versions not stated): gnomAD 0.00001; gnomAD exomes 0.00001 and 0.00002; TOPMed 0.00002; ExAC 0.00003.
gnomAD v4.1: 22 of 1,613,976 alleles (0.0014%); highest among the groups gnomAD compares: Non-Finnish European, 0.0018%; no homozygotes.

Submissions (2):

Labcorp Genetics (formerly Invitae), Labcorp
Classification: Uncertain significance for Charcot-Marie-Tooth disease dominant intermediate F. Last evaluated: 2026-01-26. Review status: criteria provided, single submitter. Criteria: Invitae Variant Classification Sherloc (09022015). Collection method: clinical testing. Allele origin: germline.
Comment: This sequence change replaces leucine, which is neutral and non-polar, with phenylalanine, which is neutral and non-polar, at codon 210 of the GNB4 protein (p.Leu210Phe). This variant is present in population databases (rs779372670, gnomAD 0.005%). This variant has not been reported in the literature in individuals affected with GNB4-related conditions. ClinVar contains an entry for this variant (Variation ID: 849080). Invitae Evidence Modeling of protein sequence and biophysical properties (such as structural, functional, and spatial information, amino acid conservation, physicochemical variation, residue mobility, and thermodynamic stability) indicates that this missense variant is expected to disrupt GNB4 protein function with a positive predictive value of 95%. In summary, the available evidence is currently insufficient to determine the role of this variant in disease. Therefore, it has been classified as a Variant of Uncertain Significance.

Women's Health and Genetics/Laboratory Corporation of America, LabCorp
Classification: Uncertain significance. Last evaluated: 2025-02-27. Review status: criteria provided, single submitter. Criteria: LabCorp Variant Classification Summary - May 2015. Collection method: clinical testing. Allele origin: germline.
Comment: Variant summary: GNB4 c.630A>T (p.Leu210Phe) results in a non-conservative amino acid change in the encoded protein sequence. Four of five in-silico tools predict a damaging effect of the variant on protein function. The variant allele was found at a frequency of 2.4e-05 in 251358 control chromosomes. The available data on variant occurrences in the general population are insufficient to allow any conclusion about variant significance. To our knowledge, no occurrence of c.630A>T in individuals affected with Charcot-Marie-Tooth disease dominant intermediate F and no experimental evidence demonstrating its impact on protein function have been reported. ClinVar contains an entry for this variant (Variation ID: 849080). Based on the evidence outlined above, the variant was classified as uncertain significance.